The following is an entry in ClinVar:

ClinVar aggregate classification (germline): Uncertain significance (1 of 4 stars; one submission).

Conditions:
Hyperekplexia 3 (HKPX3). Also called: HYPEREKPLEXIA 3, AUTOSOMAL RECESSIVE; HYPEREKPLEXIA 3, AUTOSOMAL DOMINANT. Identifiers: Orphanet 3197, MedGen C3553288, MONDO:0013827, OMIM 614618.

gnomAD v4.1: 1 of 1,614,020 alleles (0.000062%); no homozygotes.

Submission:

Labcorp Genetics (formerly Invitae), Labcorp
Classification: Uncertain significance for Hyperekplexia 3. Last evaluated: 2022-10-17. Review status: criteria provided, single submitter. Criteria: Invitae Variant Classification Sherloc (09022015). Collection method: clinical testing. Allele origin: germline.
Comment: In summary, the available evidence is currently insufficient to determine the role of this variant in disease. Therefore, it has been classified as a Variant of Uncertain Significance. Algorithms developed to predict the effect of missense changes on protein structure and function (SIFT, PolyPhen-2, Align-GVGD) all suggest that this variant is likely to be disruptive. ClinVar contains an entry for this variant (Variation ID: 1496628). This variant has not been reported in the literature in individuals affected with SLC6A5-related conditions. This variant is not present in population databases (gnomAD no frequency). This sequence change replaces proline, which is neutral and non-polar, with serine, which is neutral and polar, at codon 456 of the SLC6A5 protein (p.Pro456Ser).

NM_004211.5(SLC6A5):c.1366C>T (p.Pro456Ser)

Gene: SLC6A5 (solute carrier family 6 member 5; plus strand). Cytogenetic location: 11p15.1.
Variant type: single nucleotide variant.
Coding change: c.1366C>T on transcript NM_004211.5 (MANE Select); coding-DNA position 1366, C replaced by T.
Protein change: p.Pro456Ser; replaces proline 456 with serine.
Molecular consequence: missense variant.
Genome position (GRCh38, 1-based): chr11:20,626,813, C>T. VCF-style: chr11-20626813-C-T. GRCh37 (hg19) VCF-style: chr11-20648359-C-T.
Other names: c.664C>T, p.Pro222Ser (NM_001318369.2); short protein forms P456S, P222S.
Identifiers: ClinVar variation 1496628 (VCV001496628.6), dbSNP rs151291192, ClinGen allele CA379917086.